The following is an entry in ClinVar:

ClinVar aggregate classification (germline): Uncertain significance (1 of 4 stars; one submission).

Conditions:
Familial cancer of breast. Also called: hereditary breast carcinoma; BREAST CANCER, FAMILIAL; Hereditary breast cancer. Identifiers: Orphanet 227535, MedGen C0346153, MONDO:0016419, OMIM 114480. Disease mechanism: loss of function.

Submission:

Labcorp Genetics (formerly Invitae), Labcorp
Classification: Uncertain significance for Familial cancer of breast. Last evaluated: 2021-03-07. Review status: criteria provided, single submitter. Criteria: Invitae Variant Classification Sherloc (09022015). Collection method: clinical testing. Allele origin: germline.
Comment: This sequence change replaces aspartic acid with alanine at codon 461 of the CHEK2 protein (p.Asp461Ala). The aspartic acid residue is highly conserved and there is a moderate physicochemical difference between aspartic acid and alanine. This variant is not present in population databases (ExAC no frequency). This variant has not been reported in the literature in individuals with CHEK2-related conditions. Algorithms developed to predict the effect of missense changes on protein structure and function are either unavailable or do not agree on the potential impact of this missense change (SIFT: "Deleterious"; PolyPhen-2: "Possibly Damaging"; Align-GVGD: "Class C0"). In summary, the available evidence is currently insufficient to determine the role of this variant in disease. Therefore, it has been classified as a Variant of Uncertain Significance.

NM_007194.4(CHEK2):c.1382A>C (p.Asp461Ala)

Gene: CHEK2 (checkpoint kinase 2; minus strand). Cytogenetic location: 22q12.1.
Variant type: single nucleotide variant.
Coding change: c.1382A>C on transcript NM_007194.4 (MANE Select); coding-DNA position 1382, A replaced by C.
Protein change: p.Asp461Ala; replaces aspartic acid 461 with alanine.
Molecular consequence: missense variant.
Genome position (GRCh38, 1-based): chr22:28,694,111, T>G on the plus strand (A>C on the coding strand, the complement: CHEK2 is on the minus strand). VCF-style: chr22-28694111-T-G. GRCh37 (hg19) VCF-style: chr22-29090099-T-G.
Other names: c.1511A>C, p.Asp504Ala (NM_001005735.3); c.719A>C, p.Asp240Ala (NM_001257387.3); c.1181A>C, p.Asp394Ala (NM_001349956.3); c.1295A>C, p.Asp432Ala (NM_145862.3); short protein forms D461A, D432A, D240A, D394A, D504A.
Identifiers: ClinVar variation 1402108 (VCV001402108.9), dbSNP rs1555913188, ClinGen allele CA411094526.